The following is an entry in ClinVar:

ClinVar aggregate classification (germline): Conflicting classifications of pathogenicity. Review status: criteria provided, conflicting classifications (1 of 4 stars). 2 submissions from 2 submitters: Uncertain significance (1); Benign (1). Last evaluated 2026-03-20.

Conditions:
Hereditary cancer-predisposing syndrome. Also called: Neoplastic Syndromes, Hereditary; Hereditary neoplastic syndrome; Hereditary Cancer Syndrome; Tumor predisposition. Identifiers: Orphanet 140162, MedGen C0027672, MeSH D009386, MONDO:0015356.
Gorlin syndrome. Also called: Nevoid Basal Cell Carcinoma Syndrome; Basal cell nevus syndrome. Identifiers: Orphanet 377, MedGen C0004779, MONDO:0007187.

Allele frequency attached by ClinVar (database versions not stated): gnomAD 0.00001; TOPMed 0.00001.
gnomAD v4.1: 3 of 1,614,006 alleles (0.00019%); highest among the groups gnomAD compares: African/African-American, 0.004%; no homozygotes.

Submissions (2):

Ambry Genetics
Classification: Uncertain significance for Hereditary cancer-predisposing syndrome. Last evaluated: 2026-03-20. Review status: criteria provided, single submitter. Criteria: Ambry Variant Classification Scheme 2023. Collection method: clinical testing. Allele origin: germline.
Comment: The p.S706T variant (also known as c.2117G>C), located in coding exon 14 of the PTCH1 gene, results from a G to C substitution at nucleotide position 2117. The serine at codon 706 is replaced by threonine, an amino acid with similar properties. This amino acid position is highly conserved in available vertebrate species. In addition, the in silico prediction for this alteration is inconclusive. Based on the available evidence, the clinical significance of this variant remains unclear.

Labcorp Genetics (formerly Invitae), Labcorp
Classification: Benign for Gorlin syndrome. Last evaluated: 2025-11-03. Review status: criteria provided, single submitter. Criteria: Invitae Variant Classification Sherloc (09022015). Collection method: clinical testing. Allele origin: germline.

NM_000264.5(PTCH1):c.2117G>C (p.Ser706Thr)

Genes: PTCH1 (patched 1; minus strand), LOC100507346 (uncharacterized LOC100507346; plus strand). Cytogenetic location: 9q22.32.
Variant type: single nucleotide variant.
Coding change: c.2117G>C on transcript NM_000264.5 (MANE Select); coding-DNA position 2117, G replaced by C.
Protein change: p.Ser706Thr; replaces serine 706 with threonine.
Molecular consequence: missense variant. On other transcripts: non-coding transcript variant (2).
Genome position (GRCh38, 1-based): chr9:95,468,884, C>G on the plus strand (G>C on the coding strand, the complement: PTCH1 is on the minus strand). VCF-style: chr9-95468884-C-G. GRCh37 (hg19) VCF-style: chr9-98231166-C-G.
Other names: c.1919G>C, p.Ser640Thr (NM_001083602.3); c.2114G>C, p.Ser705Thr (NM_001083603.3); c.1664G>C, p.Ser555Thr (NM_001083604.3, NM_001083605.3, NM_001083606.3 and 1 more transcripts); c.1961G>C, p.Ser654Thr (NM_001354918.2); short protein forms S555T, S654T, S706T, S640T, S705T.
Identifiers: ClinVar variation 820653 (VCV000820653.12), dbSNP rs140497736, ClinGen allele CA196586706.